The following is an entry in ClinVar:

ClinVar aggregate classification (germline): Conflicting classifications of pathogenicity. Review status: criteria provided, conflicting classifications (1 of 4 stars). 2 submissions from 2 submitters: Uncertain significance (1); Likely benign (1). Last evaluated 2025-03-17.

Conditions:
Dilated cardiomyopathy 1G (CMD1G). Identifiers: Orphanet 154, MedGen C1858763, MONDO:0011400, OMIM 604145.
Autosomal recessive limb-girdle muscular dystrophy type 2J (LGMDR10). Also called: Limb-girdle muscular dystrophy, type 2J; MUSCULAR DYSTROPHY, LIMB-GIRDLE, AUTOSOMAL RECESSIVE 10. Identifiers: Orphanet 140922, MedGen C1837342, MONDO:0012127, OMIM 608807.
Cardiovascular phenotype. Identifiers: MedGen CN230736.

Submissions (2):

Labcorp Genetics (formerly Invitae), Labcorp
Classification: Likely benign for Dilated cardiomyopathy 1G; Autosomal recessive limb-girdle muscular dystrophy type 2J. Last evaluated: 2025-03-17. Review status: criteria provided, single submitter. Criteria: Invitae Variant Classification Sherloc (09022015). Collection method: clinical testing. Allele origin: germline.

Ambry Genetics
Classification: Uncertain significance for Cardiovascular phenotype. Last evaluated: 2023-06-28. Review status: criteria provided, single submitter. Criteria: Ambry Variant Classification Scheme 2023. Collection method: clinical testing. Allele origin: germline.
Comment: The c.64221C>T variant (also known as p.N21407N), located in coding exon 163 of the TTN gene, results from a C to T substitution at nucleotide position 64221. This nucleotide substitution does not change the asparagine at codon 21407. This nucleotide position is well conserved in available vertebrate species. In silico splice site analysis for this alteration is inconclusive. Since supporting evidence is limited at this time, the clinical significance of this alteration remains unclear.

NM_001267550.2(TTN):c.91416C>T (p.Asn30472=)

Genes: TTN-AS1 (TTN antisense RNA 1; plus strand), TTN (titin; minus strand). Cytogenetic location: 2q31.2.
Variant type: single nucleotide variant.
Coding change: c.91416C>T on transcript NM_001267550.2 (MANE Select); coding-DNA position 91416, C replaced by T.
Protein change: p.Asn30472=; no amino-acid change (asparagine 30472 retained).
Molecular consequence: synonymous variant.
Genome position (GRCh38, 1-based): chr2:178,551,115, G>A on the plus strand (C>T on the coding strand, the complement: TTN is on the minus strand). VCF-style: chr2-178551115-G-A. GRCh37 (hg19) VCF-style: chr2-179415842-G-A.
Other names: c.86493C>T, p.Asn28831= (NM_001256850.1); c.64221C>T, p.Asn21407= (NM_003319.4); c.83712C>T, p.Asn27904= (NM_133378.4); c.64596C>T, p.Asn21532= (NM_133432.3); c.64797C>T, p.Asn21599= (NM_133437.4).
Identifiers: ClinVar variation 2586512 (VCV002586512.3), dbSNP rs2469236276, ClinGen allele CA430103799.